The following is an entry in ClinVar:

NM_170707.4(LMNA):c.1248del (p.Lys418fs)

Gene: LMNA (lamin A/C; plus strand). Cytogenetic location: 1q22.
Variant type: Deletion.
Coding change: c.1248del on transcript NM_170707.4 (MANE Select); coding-DNA position 1248, one base deleted (C; older notation c.1248delC).
Protein change: p.Lys418fs; shifts the reading frame from lysine 418.
Molecular consequence: frameshift variant.
Genome position (GRCh38, 1-based): chr1:156,136,304, C deleted; the last of 2 consecutive C bases (chr1:156,136,303-156,136,304); deleting either gives the same sequence. VCF-style (leftmost placement, unchanged base first): chr1-156136302-AC-A. GRCh37 (hg19) VCF-style: chr1-156106093-AC-A.
Other names: c.1248del, p.Lys418fs (NM_001282625.2, NM_001282626.2, NM_005572.4 and 1 more transcripts); c.912del, p.Lys306fs (NM_001257374.3); c.1005del, p.Lys337fs (NM_001282624.2); short protein forms K306fs, K337fs, K418fs.
Identifiers: ClinVar variation 1076432 (VCV001076432.7), dbSNP rs2102890220, ClinGen allele CA2499214216.

ClinVar aggregate classification (germline): Pathogenic (1 of 4 stars; one submission).

Conditions:
Charcot-Marie-Tooth disease type 2. Also called: Charcot-Marie-Tooth type 2. Identifiers: Orphanet 64746, MedGen C0270914, MONDO:0018993.

Submission:

Labcorp Genetics (formerly Invitae), Labcorp
Classification: Pathogenic for Charcot-Marie-Tooth disease type 2. Last evaluated: 2022-10-05. Review status: criteria provided, single submitter. Criteria: Invitae Variant Classification Sherloc (09022015). Collection method: clinical testing. Allele origin: germline.
Comment: For these reasons, this variant has been classified as Pathogenic. ClinVar contains an entry for this variant (Variation ID: 1076432). This variant has not been reported in the literature in individuals affected with LMNA-related conditions. This variant is not present in population databases (gnomAD no frequency). This sequence change creates a premature translational stop signal (p.Lys418Serfs*62) in the LMNA gene. It is expected to result in an absent or disrupted protein product. Loss-of-function variants in LMNA are known to be pathogenic (PMID: 18585512, 18926329).

Literature cited by the submitters: PubMed 18585512; PubMed 18926329.